The following is an entry in ClinVar:

ClinVar aggregate classification (germline): Uncertain significance (1 of 4 stars; one submission).

Conditions:
Intellectual developmental disorder, autosomal dominant 6, with or without seizures. Also called: GRIN2B-related developmental delay, intellectual disability and autism spectrum disorder; Intellectual disability, autosomal dominant 6. Identifiers: Orphanet 589547, MedGen C3151411, MONDO:0013509, OMIM 613970.
Developmental and epileptic encephalopathy, 27 (DEE27). Also called: Epileptic encephalopathy, early infantile, 27; GRIN2B-Related Neurodevelopmental Disorder. Identifiers: Orphanet 3451, MedGen C4015316, MONDO:0014505, OMIM 616139.

Allele frequency attached by ClinVar (database versions not stated): TOPMed 0.00001.
gnomAD v4.1: 12 of 1,613,948 alleles (0.00074%); highest among the groups gnomAD compares: Admixed American, 0.0017%; no homozygotes.

Submission:

Labcorp Genetics (formerly Invitae), Labcorp
Classification: Uncertain significance for Developmental and epileptic encephalopathy, 27; Intellectual developmental disorder, autosomal dominant 6, with or without seizures. Last evaluated: 2024-01-15. Review status: criteria provided, single submitter. Criteria: Invitae Variant Classification Sherloc (09022015). Collection method: clinical testing. Allele origin: germline.
Comment: This sequence change replaces arginine, which is basic and polar, with tryptophan, which is neutral and slightly polar, at codon 1209 of the GRIN2B protein (p.Arg1209Trp). This variant is present in population databases (no rsID available, gnomAD 0.003%). This variant has not been reported in the literature in individuals affected with GRIN2B-related conditions. Advanced modeling of protein sequence and biophysical properties (such as structural, functional, and spatial information, amino acid conservation, physicochemical variation, residue mobility, and thermodynamic stability) performed at Invitae indicates that this missense variant is not expected to disrupt GRIN2B protein function with a negative predictive value of 95%. In summary, the available evidence is currently insufficient to determine the role of this variant in disease. Therefore, it has been classified as a Variant of Uncertain Significance.

NM_000834.5(GRIN2B):c.3625C>T (p.Arg1209Trp)

Gene: GRIN2B (glutamate ionotropic receptor NMDA type subunit 2B; minus strand). Cytogenetic location: 12p13.1.
Variant type: single nucleotide variant.
Coding change: c.3625C>T on transcript NM_000834.5 (MANE Select); coding-DNA position 3625, C replaced by T.
Protein change: p.Arg1209Trp; replaces arginine 1209 with tryptophan.
Molecular consequence: missense variant.
Genome position (GRCh38, 1-based): chr12:13,563,613, G>A on the plus strand (C>T on the coding strand, the complement: GRIN2B is on the minus strand). VCF-style: chr12-13563613-G-A. GRCh37 (hg19) VCF-style: chr12-13716547-G-A.
Other names: c.3625C>T, p.Arg1209Trp (NM_001413992.1); short protein forms R1209W.
Identifiers: ClinVar variation 2923169 (VCV002923169.3), dbSNP rs1488088518, ClinGen allele CA383988057.